The following is an entry in ClinVar:

ClinVar aggregate classification (germline): Uncertain significance (1 of 4 stars; one submission).

Conditions:
Cardiovascular phenotype. Identifiers: MedGen CN230736.

Submission:

Ambry Genetics
Classification: Uncertain significance for Cardiovascular phenotype. Last evaluated: 2023-03-19. Review status: criteria provided, single submitter. Criteria: Ambry Variant Classification Scheme 2023. Collection method: clinical testing. Allele origin: germline.
Comment: The p.W828G variant (also known as c.2482T>G), located in coding exon 4 of the TNXB gene, results from a T to G substitution at nucleotide position 2482. The tryptophan at codon 828 is replaced by glycine, an amino acid with highly dissimilar properties. This amino acid position is conserved. In addition, this alteration is predicted to be tolerated by in silico analysis. Since supporting evidence is limited at this time, the clinical significance of this alteration remains unclear.

NM_001365276.2(TNXB):c.2482T>G (p.Trp828Gly)

Gene: TNXB (tenascin XB; minus strand). Cytogenetic location: 6p21.33.
Variant type: single nucleotide variant.
Coding change: c.2482T>G on transcript NM_001365276.2 (MANE Select); coding-DNA position 2482, T replaced by G.
Protein change: p.Trp828Gly; replaces tryptophan 828 with glycine.
Molecular consequence: missense variant.
Genome position (GRCh38, 1-based): chr6:32,089,256, A>C on the plus strand (T>G on the coding strand, the complement: TNXB is on the minus strand). VCF-style: chr6-32089256-A-C. GRCh37 (hg19) VCF-style: chr6-32057033-A-C.
Other names: c.2482T>G, p.Trp828Gly (NM_019105.8); short protein forms W828G.
Identifiers: ClinVar variation 2565710 (VCV002565710.2), dbSNP rs2483721798, ClinGen allele CA363463315.